The following is an entry in ClinVar:

NM_000368.5(TSC1):c.2008C>A (p.Pro670Thr)

Gene: TSC1 (TSC complex subunit 1; minus strand). Cytogenetic location: 9q34.13.
Variant type: single nucleotide variant.
Coding change: c.2008C>A on transcript NM_000368.5 (MANE Select); coding-DNA position 2008, C replaced by A.
Protein change: p.Pro670Thr; replaces proline 670 with threonine.
Molecular consequence: missense variant.
Genome position (GRCh38, 1-based): chr9:132,904,444, G>T on the plus strand (C>A on the coding strand, the complement: TSC1 is on the minus strand). VCF-style: chr9-132904444-G-T. GRCh37 (hg19) VCF-style: chr9-135779831-G-T.
Other names: c.2005C>A, p.Pro669Thr (NM_001162426.2, NM_001406597.1, NM_001406598.1 and 6 more transcripts); c.1855C>A, p.Pro619Thr (NM_001162427.2, NM_001406610.1); c.1645C>A, p.Pro549Thr (NM_001362177.2, NM_001406619.1, NM_001406624.1 and 5 more transcripts); c.2008C>A, p.Pro670Thr (NM_001406592.1, NM_001406593.1, NM_001406594.1 and 7 more transcripts); c.1642C>A, p.Pro548Thr (NM_001406620.1, NM_001406621.1, NM_001406622.1 and 2 more transcripts); c.1057C>A, p.Pro353Thr (NM_001406626.1); c.1054C>A, p.Pro352Thr (NM_001406627.1, NM_001406628.1); c.955C>A, p.Pro319Thr (NM_001406629.1, NM_001406630.1); and 1 more; short protein forms P319T, P353T, P549T, P618T, P619T, P670T, P548T, P352T.
Identifiers: ClinVar variation 2086693 (VCV002086693.6), dbSNP rs2131788403, ClinGen allele CA375361458.
Genomic context (GRCh38, chr9:132,904,444, plus strand): 5'-GATTTGGAGCTAAAGTAACAACTTTACCTCCAAAGTGGGTCCAGTCGACAGACTTGCTGG[G>T]TAAAGGCAACCTAGGAAGAAAGTTTTTGAGTAACAAAGTTACCGATCTTACCAAGAAAAA-3'
Protein context (NP_000359.1, residues 660-680): HSKELNKLPL[Pro670Thr]SKSVDWTHFG

ClinVar aggregate classification (germline): Uncertain significance. Review status: criteria provided, multiple submitters, no conflicts (2 of 4 stars). 3 submissions from 3 submitters: Uncertain significance (3). Last evaluated 2025-04-30.

Conditions:
Tuberous sclerosis syndrome (TSC). Also called: Tuberous Sclerosis Complex; Tuberous sclerosis. Identifiers: Orphanet 805, MedGen C0041341, MONDO:0001734.
Tuberous sclerosis 1 (TSC1). Identifiers: Orphanet 805, MedGen C1854465, MONDO:0008612, OMIM 191100.
Lymphangiomyomatosis (LAM). Also called: Lymphangioleiomyomatosis; Lymphangioleiomyomatosis, somatic. Identifiers: Orphanet 538, MedGen C0751674, MONDO:0011705, OMIM 606690.
Isolated focal cortical dysplasia type II (FCORD2). Also called: Focal cortical dysplasia type II; CORTICAL DYSPLASIA OF TAYLOR. Identifiers: Orphanet 268994, MedGen C1846385, MONDO:0011818, OMIM 607341, HP:0032051.

Submissions (3):

Labcorp Genetics (formerly Invitae), Labcorp
Classification: Uncertain significance for Tuberous sclerosis 1. Last evaluated: 2025-04-30. Review status: criteria provided, single submitter. Criteria: Invitae Variant Classification Sherloc (09022015). Collection method: clinical testing. Allele origin: germline.
Comment: This sequence change replaces proline, which is neutral and non-polar, with threonine, which is neutral and polar, at codon 670 of the TSC1 protein (p.Pro670Thr). This variant is not present in population databases (gnomAD no frequency). This variant has not been reported in the literature in individuals affected with TSC1-related conditions. ClinVar contains an entry for this variant (Variation ID: 2086693). Invitae Evidence Modeling of protein sequence and biophysical properties (such as structural, functional, and spatial information, amino acid conservation, physicochemical variation, residue mobility, and thermodynamic stability) indicates that this missense variant is not expected to disrupt TSC1 protein function with a negative predictive value of 95%. In summary, the available evidence is currently insufficient to determine the role of this variant in disease. Therefore, it has been classified as a Variant of Uncertain Significance.

Fulgent Genetics
Classification: Uncertain significance for Tuberous sclerosis 1; Lymphangiomyomatosis; Isolated focal cortical dysplasia type II. Last evaluated: 2024-02-04. Review status: criteria provided, single submitter. Criteria: ACMG Guidelines, 2015. Collection method: clinical testing. Allele origin: germline.

All of Us Research Program, National Institutes of Health
Classification: Uncertain significance for Tuberous sclerosis syndrome. Last evaluated: 2023-02-24. Review status: criteria provided, single submitter. Criteria: ACMG Guidelines, 2015. Collection method: clinical testing. Allele origin: germline. Inheritance: Autosomal dominant inheritance. Observed: 1 variant allele, 1 heterozygote.
Comment: This missense variant replaces proline with threonine at codon 670 of the TSC1 protein. Computational prediction is inconclusive regarding the impact of this variant on protein structure and function (internally defined REVEL score threshold 0.5 < inconclusive < 0.7, PMID: 27666373). To our knowledge, functional studies have not been reported for this variant. This variant has not been reported in individuals affected with TSC1-related disorders in the literature. This variant has not been identified in the general population by the Genome Aggregation Database (gnomAD). The available evidence is insufficient to determine the role of this variant in disease conclusively. Therefore, this variant is classified as a Variant of Uncertain Significance.

This study involves interpretation of variants in research participants for the purpose of population health screening. Participant phenotype was not available at the time of variant classification. Additional details can be found in publication PMID: 35346344, PMCID: PMC8962531